The following is an entry in ClinVar:

ClinVar aggregate classification (germline): Likely benign. Review status: criteria provided, multiple submitters, no conflicts (2 of 4 stars). 4 submissions from 4 submitters: Likely benign (4). Last evaluated 2024-10-26.

Conditions:
Malignant hyperthermia, susceptibility to, 1 (MHS1). Also called: Anesthesia related hyperthermia; Malignant hyperpyrexia; Fulminating hyperpyrexia; Pharmacogenic myopathy; Malignant hyperthermia suceptibility 1; RYR1-Related Malignant Hyperthermia Susceptibility. Identifiers: Orphanet 423, MedGen C2930980, MONDO:0007783, OMIM 145600.
RYR1-related disorder. Also called: RYR1-related condition; RYR1-related disorders. Identifiers: MedGen CN239331.
Inborn genetic diseases. Identifiers: MedGen C0950123, MeSH D030342.

Allele frequency attached by ClinVar (database versions not stated): ExAC 0.00001; gnomAD 0.00001; gnomAD exomes 0.00001; TOPMed 0.00003; ESP Exome Variant Server 0.00008.
gnomAD v4.1: 15 of 1,598,470 alleles (0.00094%); highest among the groups gnomAD compares: African/African-American, 0.0067%; no homozygotes.

Submissions (4):

Labcorp Genetics (formerly Invitae), Labcorp
Classification: Likely benign for RYR1-related disorder. Last evaluated: 2024-10-26. Review status: criteria provided, single submitter. Criteria: Invitae Variant Classification Sherloc (09022015). Collection method: clinical testing. Allele origin: germline.

Ambry Genetics
Classification: Likely benign for Inborn genetic diseases. Last evaluated: 2024-10-08. Review status: criteria provided, single submitter. Criteria: Ambry Variant Classification Scheme 2023. Collection method: clinical testing. Allele origin: germline.

All of Us Research Program, National Institutes of Health
Classification: Likely benign for Malignant hyperthermia, susceptibility to, 1. Last evaluated: 2023-12-01. Review status: criteria provided, single submitter. Criteria: ACMG Guidelines, 2015. Collection method: clinical testing. Allele origin: germline. Inheritance: Autosomal dominant inheritance. Observed: 3 variant alleles, 3 heterozygotes.
Comment: This study involves interpretation of variants in research participants for the purpose of population health screening. Participant phenotype was not available at the time of variant classification. Additional details can be found in publication PMID: 35346344, PMCID: PMC8962531

Color Diagnostics, LLC DBA Color Health
Classification: Likely benign for Malignant hyperthermia, susceptibility to, 1. Last evaluated: 2022-11-06. Review status: criteria provided, single submitter. Criteria: ACMG Guidelines, 2015. Collection method: clinical testing. Allele origin: germline.

NM_000540.3(RYR1):c.7047C>T (p.Asn2349=)

Gene: RYR1 (ryanodine receptor 1; plus strand). Cytogenetic location: 19q13.2.
Variant type: single nucleotide variant.
Coding change: c.7047C>T on transcript NM_000540.3 (MANE Select); coding-DNA position 7047, C replaced by T.
Protein change: p.Asn2349=; no amino-acid change (asparagine 2349 retained).
Molecular consequence: synonymous variant.
Genome position (GRCh38, 1-based): chr19:38,499,654, C>T. VCF-style: chr19-38499654-C-T. GRCh37 (hg19) VCF-style: chr19-38990294-C-T.
Other names: c.7047C>T, p.Asn2349= (NM_001042723.2).
Identifiers: ClinVar variation 2750108 (VCV002750108.6), dbSNP rs149295336, ClinGen allele CA069073.